The following is an entry in ClinVar:

ClinVar aggregate classification (germline): Uncertain significance. Review status: criteria provided, multiple submitters, no conflicts (2 of 4 stars). 4 submissions from 4 submitters: Uncertain significance (2). 2 of the submissions do not count toward it. Last evaluated 2024-09-02.

Conditions:
Familial Mediterranean fever (FMF). Also called: POLYSEROSITIS, FAMILIAL PAROXYSMAL; POLYSEROSITIS, RECURRENT; Periodic peritonitis; Benign paroxysmal peritonitis. Identifiers: Orphanet 342, MedGen C0031069, MONDO:0018088, OMIM 249100. Disease mechanism: gain of function.

Allele frequency attached by ClinVar (database versions not stated): gnomAD 0.00001; TOPMed 0.00001.
gnomAD v4.1: 10 of 1,559,606 alleles (0.00064%); highest among the groups gnomAD compares: Middle Eastern, 0.082%; no homozygotes.

Submissions (4):

Blueprint Genetics
Classification: Uncertain significance. Last evaluated: 2024-09-02. Review status: criteria provided, single submitter. Criteria: ACMG Guidelines, 2015. Collection method: clinical testing. Allele origin: germline.

GeneDx
Classification: Uncertain significance. Last evaluated: 2013-05-23. Review status: criteria provided, single submitter. Criteria: GeneDx Variant Classification (06012015). Collection method: clinical testing. Allele origin: germline. Affected: yes.
Comment: To our knowledge, the Q172P missense substitution has not been published as a pathogenic variant, but has been reported in an individual with a suspected periodic fever syndrome (Kohilan et al., 2009; Personal communication with an external gene expert). Q172P represents a non-conservative amino acid substitution as a polar Glutamine residue is replaced with a non-polar Proline residue. In addition, this substitution occurs at a position in the MEFV protein that is highly conserved among species. This suggests that Q172P may be a pathogenic variant that is associated with inflammatory disease; however, we cannot rule out the possibility that it is a benign polymorphism.

Natera, Inc.
Classification: Uncertain significance for Familial Mediterranean fever. Last evaluated: 2021-04-01. Review status: no assertion criteria provided. Collection method: clinical testing. Allele origin: germline. Not counted in ClinVar's aggregate classification.

Unité médicale des maladies autoinflammatoires, CHRU Montpellier
No classification provided. Condition: Familial Mediterranean fever. Review status: no classification provided. Collection method: not provided. Allele origin: unknown. Not counted in ClinVar's aggregate classification.

NM_000243.3(MEFV):c.515A>C (p.Gln172Pro)

Gene: MEFV (MEFV innate immunity regulator, pyrin; minus strand). Cytogenetic location: 16p13.3.
Variant type: single nucleotide variant.
Coding change: c.515A>C on transcript NM_000243.3 (MANE Select); coding-DNA position 515, A replaced by C.
Protein change: p.Gln172Pro; replaces glutamine 172 with proline.
Molecular consequence: missense variant. On other transcripts: intron variant (1).
Genome position (GRCh38, 1-based): chr16:3,254,553, T>G on the plus strand (A>C on the coding strand, the complement: MEFV is on the minus strand). VCF-style: chr16-3254553-T-G. GRCh37 (hg19) VCF-style: chr16-3304553-T-G.
Other names: c.277+1758A>C (NM_001198536.2); short protein forms Q172P.
Identifiers: ClinVar variation 97526 (VCV000097526.7), dbSNP rs104895211, ClinGen allele CA280612.
Genomic context (GRCh38, chr16:3,254,553, plus strand): 5'-CTGCAGGGGCCGGGGCTTCTCCCGCCCGGCAGGGCCGGGCTCCGGGTCCGAGGCTTGCCC[T>G]GCGCGTCCAGGCCCTCCGAGGCCTTCTCTCTGCGTTTGCTCAGGGGCTTCCTCGACAGCC-3'
Protein context (NP_000234.1, residues 162-182): REKASEGLDA[Gln172Pro]GKPRTRSPAL